The following is an entry in ClinVar:

NM_198698.1(KRTAP12-4):c.96G>A (p.Gly32=)

Genes: KRTAP12-4 (keratin associated protein 12-4; minus strand), TSPEAR (thrombospondin type laminin G domain and EAR repeats; minus strand). Cytogenetic location: 21q22.3.
Variant type: single nucleotide variant.
Coding change: c.96G>A on transcript NM_198698.1 (MANE Select); coding-DNA position 96, G replaced by A.
Protein change: p.Gly32=; no amino-acid change (glycine 32 retained).
Molecular consequence: synonymous variant. On other transcripts: intron variant (2).
Genome position (GRCh38, 1-based): chr21:44,654,519, C>T on the plus strand (G>A on the coding strand, the complement: KRTAP12-4 is on the minus strand). VCF-style: chr21-44654519-C-T. GRCh37 (hg19) VCF-style: chr21-46074436-C-T.
Other names: c.82+56914G>A (NM_144991.3); c.-123+36026G>A (NM_001272037.2).
Identifiers: ClinVar variation 2652779 (VCV002652779.24), dbSNP rs145544560, ClinGen allele CA10061088.
Genomic context (GRCh38, chr21:44,654,519, plus strand): 5'-TACCCCACACAGGGGCCGGCACAGCAGAGCCACACAGGGGGCTGAGCAGCAGCAGGAGGT[C>T]CCATAGCCCTCGGGTGGGTAGCAGGTGCTGGGGACACAGCACGGGGAGCCAGGGCAGGCC-3'
Protein context (NP_941971.1, residues 22-42): PSTCYPPEGY[Gly32=]TSCCCSAPCV

ClinVar aggregate classification (germline): Benign (1 of 4 stars; one submission).

Allele frequency attached by ClinVar (database versions not stated): 1000 Genomes Project 0.00519; 1000 Genomes Project 30x 0.00578; gnomAD 0.00924; ExAC 0.00974; TOPMed 0.01053; ESP Exome Variant Server 0.01127; gnomAD exomes 0.01321.
gnomAD v4.1: 20,778 of 1,613,224 alleles (1.3%); highest among the groups gnomAD compares: Non-Finnish European, 1.6%; 167 homozygotes.

Submission:

CeGaT Center for Human Genetics Tuebingen
Classification: Benign. Last evaluated: 2022-11-01. Review status: criteria provided, single submitter. Criteria: CeGaT Center For Human Genetics Tuebingen Variant Classification Criteria Version 2. Collection method: clinical testing. Allele origin: germline. Affected: yes. Observed: 1 variant allele.
Comment: KRTAP12-4: BP4, BP7, BS1, BS2; TSPEAR: BS1, BS2